The following is an entry in ClinVar:

ClinVar aggregate classification (germline): Uncertain significance. Review status: criteria provided, multiple submitters, no conflicts (2 of 4 stars). 2 submissions from 2 submitters: Uncertain significance (2). Last evaluated 2025-11-10.

Conditions:
Hereditary cancer-predisposing syndrome. Also called: Hereditary neoplastic syndrome; Tumor predisposition; Neoplastic Syndromes, Hereditary; Hereditary Cancer Syndrome. Identifiers: Orphanet 140162, MedGen C0027672, MeSH D009386, MONDO:0015356.

Allele frequency attached by ClinVar (database versions not stated): gnomAD exomes below 0.00001; gnomAD 0.00001.
gnomAD v4.1: 2 of 1,613,148 alleles (0.00012%); highest among the groups gnomAD compares: Non-Finnish European, 0.00017%; no homozygotes.

Submissions (2):

Ambry Genetics
Classification: Uncertain significance for Hereditary cancer-predisposing syndrome. Last evaluated: 2025-11-10. Review status: criteria provided, single submitter. Criteria: Ambry Variant Classification Scheme 2023. Collection method: clinical testing. Allele origin: germline.
Comment: The p.K83N variant (also known as c.249G>C), located in coding exon 2 of the NTHL1 gene, results from a G to C substitution at nucleotide position 249. The lysine at codon 83 is replaced by asparagine, an amino acid with similar properties. This amino acid position is conserved. In addition, this alteration is predicted to be tolerated by in silico analysis. Since supporting evidence is limited at this time, the clinical significance of this alteration remains unclear.

Center for Genomic Medicine, Rigshospitalet, Copenhagen University Hospital
Classification: Uncertain significance. Last evaluated: 2025-03-04. Review status: criteria provided, single submitter. Criteria: ACMG Guidelines, 2015. Collection method: clinical testing. Allele origin: germline.

NM_002528.7(NTHL1):c.225G>C (p.Lys75Asn)

Gene: NTHL1 (nth like DNA glycosylase 1; minus strand). Cytogenetic location: 16p13.3.
Variant type: single nucleotide variant.
Coding change: c.225G>C on transcript NM_002528.7 (MANE Select); coding-DNA position 225, G replaced by C.
Protein change: p.Lys75Asn; replaces lysine 75 with asparagine.
Molecular consequence: missense variant. On other transcripts: intron variant (1).
Genome position (GRCh38, 1-based): chr16:2,046,257, C>G on the plus strand (G>C on the coding strand, the complement: NTHL1 is on the minus strand). VCF-style: chr16-2046257-C-G. GRCh37 (hg19) VCF-style: chr16-2096258-C-G.
Other names: c.225G>C, p.Lys75Asn (NM_001318193.2); c.24+23G>C (NM_001318194.2); c.249G>C (NM_002528.5); short protein forms K75N.
Identifiers: ClinVar variation 1697749 (VCV001697749.10), dbSNP rs1432630427, ClinGen allele CA394297365.
Genomic context (GRCh38, chr16:2,046,257, plus strand): 5'-CCTCATGGCACGGATGTTGACCAGCTGTTGCTGCCAGTCCTGGGGCTCCCAGACTGGCAC[C>G]TTGAGGGGCTCAGCCCCCTCACCTTTCTCACTGTCCGAGCCCTCATAGGCCACACGCAGT-3'
Protein context (NP_002519.2, residues 65-85): SEKGEGAEPL[Lys75Asn]VPVWEPQDWQ